The following is an entry in ClinVar:

ClinVar aggregate classification (germline): Uncertain significance. Review status: criteria provided, multiple submitters, no conflicts (2 of 4 stars). 2 submissions from 2 submitters: Uncertain significance (2). Last evaluated 2025-09-21.

Conditions:
Inborn genetic diseases. Identifiers: MedGen C0950123, MeSH D030342.

Allele frequency attached by ClinVar (database versions not stated): gnomAD exomes below 0.00001; ExAC 0.00001.

Submissions (2):

Ambry Genetics
Classification: Uncertain significance for Inborn genetic diseases. Last evaluated: 2025-09-21. Review status: criteria provided, single submitter. Criteria: Ambry Variant Classification Scheme 2023. Collection method: clinical testing. Allele origin: germline.
Comment: The c.6145A>G (p.T2049A) alteration is located in exon 28 (coding exon 28) of the MED13 gene. This alteration results from a A to G substitution at nucleotide position 6145, causing the threonine (T) at amino acid position 2049 to be replaced by an alanine (A). Based on data from gnomAD, the G allele has an overall frequency of <0.001% (1/249404) total alleles studied. The highest observed frequency was 0.003% (1/34464) of Latino alleles. Based on insufficient or conflicting evidence, the clinical significance of this alteration remains unclear.

Labcorp Genetics (formerly Invitae), Labcorp
Classification: Uncertain significance. Last evaluated: 2024-06-11. Review status: criteria provided, single submitter. Criteria: Invitae Variant Classification Sherloc (09022015). Collection method: clinical testing. Allele origin: germline.
Comment: This sequence change replaces threonine, which is neutral and polar, with alanine, which is neutral and non-polar, at codon 2049 of the MED13 protein (p.Thr2049Ala). This variant is present in population databases (rs745854243, gnomAD 0.003%). This variant has not been reported in the literature in individuals affected with MED13-related conditions. ClinVar contains an entry for this variant (Variation ID: 1479415). Advanced modeling of protein sequence and biophysical properties (such as structural, functional, and spatial information, amino acid conservation, physicochemical variation, residue mobility, and thermodynamic stability) performed at Invitae indicates that this missense variant is not expected to disrupt MED13 protein function with a negative predictive value of 80%. In summary, the available evidence is currently insufficient to determine the role of this variant in disease. Therefore, it has been classified as a Variant of Uncertain Significance.

NM_005121.3(MED13):c.6145A>G (p.Thr2049Ala)

Gene: MED13 (mediator complex subunit 13; minus strand). Cytogenetic location: 17q23.2.
Variant type: single nucleotide variant.
Coding change: c.6145A>G on transcript NM_005121.3 (MANE Select); coding-DNA position 6145, A replaced by G.
Protein change: p.Thr2049Ala; replaces threonine 2049 with alanine.
Molecular consequence: missense variant.
Genome position (GRCh38, 1-based): chr17:61,950,971, T>C on the plus strand (A>G on the coding strand, the complement: MED13 is on the minus strand). VCF-style: chr17-61950971-T-C. GRCh37 (hg19) VCF-style: chr17-60028332-T-C.
Other names: c.6145A>G (NM_005121.2); short protein forms T2049A.
Identifiers: ClinVar variation 1479415 (VCV001479415.7), dbSNP rs745854243, ClinGen allele CA8691969.